The following is an entry in ClinVar:

ClinVar aggregate classification (germline): Uncertain significance (1 of 4 stars; one submission).

Conditions:
Duchenne muscular dystrophy (DMD). Also called: MUSCULAR DYSTROPHY, PSEUDOHYPERTROPHIC PROGRESSIVE, DUCHENNE TYPE; Duchenne Muscular Dystrophy (DMD). Identifiers: Orphanet 98896, MedGen C0013264, MONDO:0010679, OMIM 310200.

Allele frequency attached by ClinVar (database versions not stated): gnomAD exomes 0.00002.
gnomAD v4.1: 25 of 1,208,804 alleles (0.0021%); highest among the groups gnomAD compares: Non-Finnish European, 0.0028%; no homozygotes.

Submission:

Labcorp Genetics (formerly Invitae), Labcorp
Classification: Uncertain significance for Duchenne muscular dystrophy. Last evaluated: 2022-07-13. Review status: criteria provided, single submitter. Criteria: Invitae Variant Classification Sherloc (09022015). Collection method: clinical testing. Allele origin: germline.
Comment: This sequence change replaces lysine, which is basic and polar, with glutamic acid, which is acidic and polar, at codon 1870 of the DMD protein (p.Lys1870Glu). This variant is not present in population databases (gnomAD no frequency). This variant has not been reported in the literature in individuals affected with DMD-related conditions. Algorithms developed to predict the effect of missense changes on protein structure and function are either unavailable or do not agree on the potential impact of this missense change (SIFT: "Deleterious"; PolyPhen-2: "Possibly Damaging"; Align-GVGD: "Class C0"). In summary, the available evidence is currently insufficient to determine the role of this variant in disease. Therefore, it has been classified as a Variant of Uncertain Significance.

NM_004006.3(DMD):c.5608A>G (p.Lys1870Glu)

Gene: DMD (dystrophin; minus strand). Cytogenetic location: Xp21.1.
Variant type: single nucleotide variant.
Coding change: c.5608A>G on transcript NM_004006.3 (MANE Select); coding-DNA position 5608, A replaced by G.
Protein change: p.Lys1870Glu; replaces lysine 1870 with glutamic acid.
Molecular consequence: missense variant.
Genome position (GRCh38, 1-based): chrX:32,343,265, T>C on the plus strand (A>G on the coding strand, the complement: DMD is on the minus strand). VCF-style: chrX-32343265-T-C. GRCh37 (hg19) VCF-style: chrX-32361382-T-C.
Other names: c.5584A>G, p.Lys1862Glu (NM_000109.4); c.5596A>G, p.Lys1866Glu (NM_004009.3); c.5239A>G, p.Lys1747Glu (NM_004010.3); c.1585A>G, p.Lys529Glu (NM_004011.4); c.1576A>G, p.Lys526Glu (NM_004012.4); short protein forms K1862E, K1866E, K526E, K529E, K1747E, K1870E.
Identifiers: ClinVar variation 1905186 (VCV001905186.2), dbSNP rs2146992449, ClinGen allele CA412666375.